The following is an entry in ClinVar:

NM_000138.5(FBN1):c.5664G>A (p.Met1888Ile)

Gene: FBN1 (fibrillin 1; minus strand). Cytogenetic location: 15q21.1.
Variant type: single nucleotide variant.
Coding change: c.5664G>A on transcript NM_000138.5 (MANE Select); coding-DNA position 5664, G replaced by A.
Protein change: p.Met1888Ile; replaces methionine 1888 with isoleucine.
Molecular consequence: missense variant.
Genome position (GRCh38, 1-based): chr15:48,448,775, C>T on the plus strand (G>A on the coding strand, the complement: FBN1 is on the minus strand). VCF-style: chr15-48448775-C-T. GRCh37 (hg19) VCF-style: chr15-48740972-C-T.
Other names: short protein forms M1888I.
Identifiers: ClinVar variation 406318 (VCV000406318.6), dbSNP rs1060501056, ClinGen allele CA16614639.

ClinVar aggregate classification (germline): Uncertain significance (1 of 4 stars; one submission).

Conditions:
Marfan syndrome (MFS). Also called: Marfan syndrome, classic; Marfan syndrome type 1; Marfan's syndrome; MARFAN SYNDROME, TYPE I; FBN1-Related Marfan Syndrome. Identifiers: Orphanet 284963, Orphanet 558, MedGen C0024796, MONDO:0007947, OMIM 154700.
Familial thoracic aortic aneurysm and aortic dissection (TAAD). Also called: Thoracic aortic aneurysms and dissections. Identifiers: Orphanet 91387, MedGen C4707243, MONDO:0019625.

Submission:

Labcorp Genetics (formerly Invitae), Labcorp
Classification: Uncertain significance for Marfan syndrome; Familial thoracic aortic aneurysm and aortic dissection. Last evaluated: 2021-09-01. Review status: criteria provided, single submitter. Criteria: Invitae Variant Classification Sherloc (09022015). Collection method: clinical testing. Allele origin: germline.
Comment: This sequence change replaces methionine with isoleucine at codon 1888 of the FBN1 protein (p.Met1888Ile). The methionine residue is highly conserved and there is a small physicochemical difference between methionine and isoleucine. This variant is not present in population databases (ExAC no frequency). This variant has not been reported in the literature in individuals affected with FBN1-related conditions. Algorithms developed to predict the effect of missense changes on protein structure and function (SIFT, PolyPhen-2, Align-GVGD) all suggest that this variant is likely to be tolerated. In summary, the available evidence is currently insufficient to determine the role of this variant in disease. Therefore, it has been classified as a Variant of Uncertain Significance.